The following is an entry in ClinVar:

ClinVar aggregate classification (germline): Likely pathogenic (1 of 4 stars; one submission).

Conditions:
Inborn genetic diseases. Identifiers: MedGen C0950123, MeSH D030342.

Submission:

Ambry Genetics
Classification: Likely pathogenic for Inborn genetic diseases. Last evaluated: 2015-10-26. Review status: criteria provided, single submitter. Criteria: Ambry Variant Classification Scheme 2023. Collection method: clinical testing. Allele origin: germline.
Comment: The p.M1? variant (also known as c.1A>G), located in coding exon 1 of the L1CAM gene, results from an A to G substitution at nucleotide position 1. This alters the methionine residue at the initiation codon. There is an in-frame methionine 32 amino acids downstream, which may act as an alternative initiation codon and result in an N-terminal truncation; however, direct evidence is unavailable. The N-terminus of this protein is known to be functionally/structurally important (Jouet M et al. Am J Hum Genet. 1995;56(6):1304-14; De Angelis E et al. Hum Mol Genet. 2002;11(1):1-12). In addition, another alteration at the same position, c.2T>C (p.M1?), has been reported in an individual from a cohort sent for diagnostic testing of the L1CAM gene; however, specific clinical information was not provided (Vos YJ et al. J Med Genet. 2010;47(3):169-75). In addition to the clinical data presented in the literature, since sequence variations that modify the initiation codon (ATG) are expected to result in either loss of translation initiation or N-terminal truncation, this alteration is interpreted as likely pathogenic (ACMG Recommendations for Standards for Interpretation and Reporting of Sequence Variations. Revision 2007. Genet Med. 2008;10:294).

Literature cited by the submitters: PubMed 11772994; PubMed 19846429; PubMed 7762552.

NM_001278116.2(L1CAM):c.1A>G (p.Met1Val)

Gene: L1CAM (L1 cell adhesion molecule; minus strand). Cytogenetic location: Xq28.
Variant type: single nucleotide variant.
Coding change: c.1A>G on transcript NM_001278116.2 (MANE Select); coding-DNA position 1, A replaced by G.
Protein change: p.Met1Val; changes the start codon (methionine 1).
Molecular consequence: missense variant, initiator codon variant.
Genome position (GRCh38, 1-based): chrX:153,875,836, T>C on the plus strand (A>G on the coding strand, the complement: L1CAM is on the minus strand). VCF-style: chrX-153875836-T-C. GRCh37 (hg19) VCF-style: chrX-153141291-T-C.
Other names: c.1A>G, p.Met1Val (NM_000425.5, NM_001143963.2, NM_024003.3); short protein forms M1V.
Identifiers: ClinVar variation 1784173 (VCV001784173.3), dbSNP rs2521057345, ClinGen allele CA415143360.